The following is an entry in ClinVar:

NM_022841.7(RFX7):c.1063C>T (p.Gln355Ter)

Gene: RFX7 (regulatory factor X7; minus strand). Cytogenetic location: 15q21.3.
Variant type: single nucleotide variant.
Coding change: c.1063C>T on transcript NM_022841.7 (MANE Select); coding-DNA position 1063, C replaced by T.
Protein change: p.Gln355Ter; replaces glutamine 355 with a stop codon.
Molecular consequence: nonsense.
Genome position (GRCh38, 1-based): chr15:56,098,125, G>A on the plus strand (C>T on the coding strand, the complement: RFX7 is on the minus strand). VCF-style: chr15-56098125-G-A. GRCh37 (hg19) VCF-style: chr15-56390323-G-A.
Other names: c.772C>T, p.Gln258Ter (NM_001368073.2, NM_001368074.1, NM_001370554.1); c.1063C>T, p.Gln355Ter (NM_001370561.1); short protein forms Q258*, Q355*.
Identifiers: ClinVar variation 2574373 (VCV002574373.1), dbSNP rs2504994029, ClinGen allele CA392585427.

ClinVar aggregate classification (germline): Uncertain significance (1 of 4 stars; one submission).

gnomAD v4.1: 1 of 1,613,908 alleles (0.000062%); highest among the groups gnomAD compares: Non-Finnish European, 0.000085%; no homozygotes.

Submission:

GeneDx
Classification: Uncertain significance. Last evaluated: 2023-01-24. Review status: criteria provided, single submitter. Criteria: GeneDx Variant Classification Process June 2021. Collection method: clinical testing. Allele origin: germline. Affected: yes.
Comment: Not observed at significant frequency in large population cohorts (gnomAD); Nonsense variant predicted to result in protein truncation as the last 1106 amino acids are lost; Has not been previously published as pathogenic or benign to our knowledge